The following is an entry in ClinVar:

ClinVar aggregate classification (germline): Conflicting classifications of pathogenicity. Review status: criteria provided, conflicting classifications (1 of 4 stars). 3 submissions from 3 submitters: Likely pathogenic (1); Uncertain significance (1). 1 of the submissions does not count toward it. Last evaluated 2025-10-26.

Conditions:
Carnitine palmitoyl transferase 1A deficiency. Also called: CPT deficiency, hepatic, type IA; CPT I DEFICIENCY; CPT DEFICIENCY, HEPATIC, TYPE I; Carnitine palmitoyltransferase type I deficiency; Carnitine palmitoyltransferase 1A deficiency. Identifiers: Orphanet 156, MedGen C1829703, MONDO:0009705, OMIM 255120.

gnomAD v4.1: 2 of 1,614,136 alleles (0.00012%); highest among the groups gnomAD compares: Non-Finnish European, 0.000085%; no homozygotes.

Submissions (3):

Labcorp Genetics (formerly Invitae), Labcorp
Classification: Likely pathogenic for Carnitine palmitoyl transferase 1A deficiency. Last evaluated: 2025-10-26. Review status: criteria provided, single submitter. Criteria: Invitae Variant Classification Sherloc (09022015). Collection method: clinical testing. Allele origin: germline.
Comment: This sequence change replaces serine, which is neutral and polar, with leucine, which is neutral and non-polar, at codon 456 of the CPT1A protein (p.Ser456Leu). This variant is not present in population databases (gnomAD no frequency). This missense change has been observed in individual(s) with carnitine palmitoyltransferase I deficiency (PMID: 23700290; internal data). ClinVar contains an entry for this variant (Variation ID: 550677). Invitae Evidence Modeling of protein sequence and biophysical properties (such as structural, functional, and spatial information, amino acid conservation, physicochemical variation, residue mobility, and thermodynamic stability) indicates that this missense variant is expected to disrupt CPT1A protein function with a positive predictive value of 95%. In summary, the currently available evidence indicates that the variant is pathogenic, but additional data are needed to prove that conclusively. Therefore, this variant has been classified as Likely Pathogenic.

Myriad Genetics, Inc.
Classification: Uncertain significance for Carnitine palmitoyl transferase 1A deficiency. Last evaluated: 2025-09-12. Review status: criteria provided, single submitter. Criteria: Myriad Autosomal Dominant, Autosomal Recessive and X-Linked Classification Criteria (2023). Collection method: clinical testing. Allele origin: unknown.
Comment: NM_001876.3(CPT1A):c.1367C>T(S456L) is a missense variant classified as a variant of uncertain significance in the context of carnitine palmitoyltransferase IA deficiency. S456L has been observed in a case with relevant disease (PMID: 23700290). Relevant functional assessments of this variant are not available in the literature. S456L has not been observed in referenced population frequency databases. In summary, there is insufficient evidence to classify NM_001876.3(CPT1A):c.1367C>T(S456L) as pathogenic or benign. Please note: this variant was assessed in the context of healthy population screening.

Counsyl
Classification: Uncertain significance for Carnitine palmitoyl transferase 1A deficiency. Last evaluated: 2017-02-08. Review status: no assertion criteria provided. Collection method: clinical testing. Allele origin: unknown. Not counted in ClinVar's aggregate classification.

Literature cited by the submitters: PubMed 23700290 (cited by 3 submitters).

NM_001876.4(CPT1A):c.1367C>T (p.Ser456Leu)

Gene: CPT1A (carnitine palmitoyltransferase 1A; minus strand). Cytogenetic location: 11q13.3.
Variant type: single nucleotide variant.
Coding change: c.1367C>T on transcript NM_001876.4 (MANE Select); coding-DNA position 1367, C replaced by T.
Protein change: p.Ser456Leu; replaces serine 456 with leucine.
Molecular consequence: missense variant.
Genome position (GRCh38, 1-based): chr11:68,780,731, G>A on the plus strand (C>T on the coding strand, the complement: CPT1A is on the minus strand). VCF-style: chr11-68780731-G-A. GRCh37 (hg19) VCF-style: chr11-68548199-G-A.
Other names: c.1367C>T, p.Ser456Leu (NM_001031847.3); short protein forms S456L.
Identifiers: ClinVar variation 550677 (VCV000550677.13), dbSNP rs1478167106, ClinGen allele CA381630870.